The following is an entry in ClinVar:

ClinVar aggregate classification (germline): Uncertain significance. Review status: criteria provided, multiple submitters, no conflicts (2 of 4 stars). 2 submissions from 2 submitters: Uncertain significance (2). Last evaluated 2026-01-02.

Conditions:
Deficiency of acetyl-CoA acetyltransferase. Also called: 3-KETOTHIOLASE DEFICIENCY; 3-OXOTHIOLASE DEFICIENCY; Beta-ketothiolase deficiency; MITOCHONDRIAL ACETOACETYL-CoA THIOLASE DEFICIENCY. Identifiers: Orphanet 134, MedGen C1536500, MONDO:0008760, OMIM 203750. Disease mechanism: loss of function.

Submissions (2):

Women's Health and Genetics/Laboratory Corporation of America, LabCorp
Classification: Uncertain significance. Last evaluated: 2026-01-02. Review status: criteria provided, single submitter. Criteria: LabCorp Variant Classification Summary - May 2015. Collection method: clinical testing. Allele origin: germline.
Comment: Variant summary: ACAT1 c.301C>A (p.Gln101Lys) results in a conservative amino acid change in the encoded protein sequence. Algorithms developed to predict the effect of missense changes on protein structure and function are either unavailable or do not agree on the potential impact of this missense change. The variant was absent in 251464 control chromosomes. The available data on variant occurrences in the general population are insufficient to allow any conclusion about variant significance. c.301C>A has been observed in an individual affected with Alpha-Methylacetoacetic Aciduria (Grunert_2017). These data do not allow any conclusion about variant significance. To our knowledge, no experimental evidence demonstrating an impact on protein function has been reported. The following publication has been ascertained in the context of this evaluation (PMID: 28689740). ClinVar contains an entry for this variant (Variation ID: 666473). Based on the evidence outlined above, the variant was classified as uncertain significance.

Department of Pediatrics, Gifu University
Classification: Uncertain significance for Deficiency of acetyl-CoA acetyltransferase. Last evaluated: 2019-05-05. Review status: criteria provided, single submitter. Criteria: ACMG Guidelines, 2015. Collection method: research. Allele origin: germline. Affected: yes. Observed: 1 variant allele.

Literature cited by the submitters: PubMed 28689740 (cited by Women's Health and Genetics/Laboratory Corporation of America, LabCorp); PubMed 31268215 (cited by Department of Pediatrics, Gifu University).

NM_000019.4(ACAT1):c.301C>A (p.Gln101Lys)

Gene: ACAT1 (acetyl-CoA acetyltransferase 1; plus strand). Cytogenetic location: 11q22.3.
Variant type: single nucleotide variant.
Coding change: c.301C>A on transcript NM_000019.4 (MANE Select); coding-DNA position 301, C replaced by A.
Protein change: p.Gln101Lys; replaces glutamine 101 with lysine.
Molecular consequence: missense variant.
Genome position (GRCh38, 1-based): chr11:108,134,283, C>A. VCF-style: chr11-108134283-C-A. GRCh37 (hg19) VCF-style: chr11-108005010-C-A.
Other names: short protein forms Q101K.
Identifiers: ClinVar variation 666473 (VCV000666473.2), dbSNP rs1591362483, ClinGen allele CA382506595.